The following is an entry in ClinVar:

NM_001127178.3(PIGG):c.1208A>G (p.Asn403Ser)

Gene: PIGG (phosphatidylinositol glycan anchor biosynthesis class G (EMM blood group); plus strand). Cytogenetic location: 4p16.3.
Variant type: single nucleotide variant.
Coding change: c.1208A>G on transcript NM_001127178.3 (MANE Select); coding-DNA position 1208, A replaced by G.
Protein change: p.Asn403Ser; replaces asparagine 403 with serine.
Molecular consequence: missense variant. On other transcripts: 5 prime UTR variant (2), non-coding transcript variant (10), intron variant (1).
Genome position (GRCh38, 1-based): chr4:521,149, A>G. VCF-style: chr4-521149-A-G. GRCh37 (hg19) VCF-style: chr4-514938-A-G.
Other names: c.1208A>G (NM_001127178.1); c.941A>G, p.Asn314Ser (NM_001289051.2, NM_001289053.2, NM_001345986.2 and 1 more transcripts); c.809A>G, p.Asn270Ser (NM_001289052.2); c.842A>G, p.Asn281Ser (NM_001289055.2); c.179A>G, p.Asn60Ser (NM_001345988.2); c.1208A>G, p.Asn403Ser (NM_001345989.2, NM_017733.5); c.-280A>G (NM_001345990.2, NM_001345991.2); c.134A>G, p.Asn45Ser (NM_001345994.2); and 1 more; short protein forms N270S, N281S, N45S, N403S, N314S, N60S.
Identifiers: ClinVar variation 859698 (VCV000859698.9), dbSNP rs139826164, ClinGen allele CA2793244.

ClinVar aggregate classification (germline): Uncertain significance. Review status: criteria provided, multiple submitters, no conflicts (2 of 4 stars). 2 submissions from 2 submitters: Uncertain significance (2). Last evaluated 2025-11-03.

Conditions:
Intellectual disability, autosomal recessive 53 (NEDHSCA). Also called: NEURODEVELOPMENTAL DISORDER WITH OR WITHOUT HYPOTONIA, SEIZURES, AND CEREBELLAR ATROPHY; GLYCOSYLPHOSPHATIDYLINOSITOL BIOSYNTHESIS DEFECT 13; Mental retardation, autosomal recessive 53. Identifiers: Orphanet 488635, MedGen C4310794, MONDO:0014832, OMIM 616917.
Inborn genetic diseases. Identifiers: MedGen C0950123, MeSH D030342.

gnomAD v4.1: 14 of 1,614,004 alleles (0.00087%); highest among the groups gnomAD compares: African/African-American, 0.0013%; no homozygotes.

Submissions (2):

Ambry Genetics
Classification: Uncertain significance for Inborn genetic diseases. Last evaluated: 2025-11-03. Review status: criteria provided, single submitter. Criteria: Ambry Variant Classification Scheme 2023. Collection method: clinical testing. Allele origin: germline.

Labcorp Genetics (formerly Invitae), Labcorp
Classification: Uncertain significance for Intellectual disability, autosomal recessive 53. Last evaluated: 2022-06-04. Review status: criteria provided, single submitter. Criteria: Invitae Variant Classification Sherloc (09022015). Collection method: clinical testing. Allele origin: germline.
Comment: Algorithms developed to predict the effect of missense changes on protein structure and function output the following: SIFT: "Tolerated"; PolyPhen-2: "Benign"; Align-GVGD: "Class C0". The serine amino acid residue is found in multiple mammalian species, which suggests that this missense change does not adversely affect protein function. In summary, the available evidence is currently insufficient to determine the role of this variant in disease. Therefore, it has been classified as a Variant of Uncertain Significance. ClinVar contains an entry for this variant (Variation ID: 859698). This variant has not been reported in the literature in individuals affected with PIGG-related conditions. This variant is present in population databases (rs139826164, gnomAD 0.002%). This sequence change replaces asparagine, which is neutral and polar, with serine, which is neutral and polar, at codon 403 of the PIGG protein (p.Asn403Ser).